The following is an entry in ClinVar:

NM_001378454.1(ALMS1):c.7843G>A (p.Gly2615Arg)

Gene: ALMS1 (ALMS1 centrosome and basal body associated protein; plus strand). Cytogenetic location: 2p13.1.
Variant type: single nucleotide variant.
Coding change: c.7843G>A on transcript NM_001378454.1 (MANE Select); coding-DNA position 7843, G replaced by A.
Protein change: p.Gly2615Arg; replaces glycine 2615 with arginine.
Molecular consequence: missense variant.
Genome position (GRCh38, 1-based): chr2:73,489,802, G>A. VCF-style: chr2-73489802-G-A. GRCh37 (hg19) VCF-style: chr2-73716929-G-A.
Other names: c.7846G>A, p.Gly2616Arg (NM_015120.4); short protein forms G2615R, G2616R.
Identifiers: ClinVar variation 1760871 (VCV001760871.2), dbSNP rs2466212984, ClinGen allele CA347265934.
Genomic context (GRCh38, chr2:73,489,802, plus strand): 5'-CCACAACTAGATAGACACCCTTGTGCTTTCAGATCTGCTGGACCCTCAGAAATGACCAGA[G>A]GACGGCAGAACCCATCATCATGCAGAGCCAAGCATGTCAACCTTTCTGCATCCTTAGACC-3'
Protein context (NP_001365383.1, residues 2605-2625): RSAGPSEMTR[Gly2615Arg]RQNPSSCRAK

ClinVar aggregate classification (germline): Uncertain significance (1 of 4 stars; one submission).

Conditions:
Cardiovascular phenotype. Identifiers: MedGen CN230736.

Submission:

Ambry Genetics
Classification: Uncertain significance for Cardiovascular phenotype. Last evaluated: 2020-03-26. Review status: criteria provided, single submitter. Criteria: Ambry Variant Classification Scheme 2023. Collection method: clinical testing. Allele origin: germline.
Comment: The p.G2616R variant (also known as c.7846G>A), located in coding exon 10 of the ALMS1 gene, results from a G to A substitution at nucleotide position 7846. The glycine at codon 2616 is replaced by arginine, an amino acid with dissimilar properties. This amino acid position is well conserved in available vertebrate species. In addition, this alteration is predicted to be tolerated by in silico analysis. Since supporting evidence is limited at this time, the clinical significance of this alteration remains unclear.